The following is an entry in ClinVar:

NM_014251.3(SLC25A13):c.12C>T (p.Ala4=)

Genes: SLC25A13 (solute carrier family 25 member 13; minus strand), LOC129998833 (ATAC-STARR-seq lymphoblastoid silent region 18384; plus strand). Cytogenetic location: 7q21.3.
Variant type: single nucleotide variant.
Coding change: c.12C>T on transcript NM_014251.3 (MANE Select); coding-DNA position 12, C replaced by T.
Protein change: p.Ala4=; no amino-acid change (alanine 4 retained).
Molecular consequence: synonymous variant. On other transcripts: non-coding transcript variant (1).
Genome position (GRCh38, 1-based): chr7:96,321,945, G>A on the plus strand (C>T on the coding strand, the complement: SLC25A13 is on the minus strand). VCF-style: chr7-96321945-G-A. GRCh37 (hg19) VCF-style: chr7-95951257-G-A.
Other names: c.12C>T, p.Ala4= (NM_001160210.2); c.12C>T (NM_014251.2).
Identifiers: ClinVar variation 1564146 (VCV001564146.9), dbSNP rs961482670, ClinGen allele CA163524564.
Genomic context (GRCh38, chr7:96,321,945, plus strand): 5'-CGCACCCCCAGGCTGATCCGGCAGGCGCGCTCCCCCCGGCCTCGGGCCCGCGGTTACCTT[G>A]GCGGCCGCCATGATTCGCCCCGGTTGCGGGCGACTGCGGGACCCACTGACTGGCTGGCTG-3'
Protein context (NP_055066.1, residues 1-14): MAA[Ala4=]KVALTKRADP

ClinVar aggregate classification (germline): Likely benign. Review status: criteria provided, multiple submitters, no conflicts (2 of 4 stars). 2 submissions from 2 submitters: Likely benign (2). Last evaluated 2026-01-26.

Conditions:
SLC25A13-related disorder. Also called: SLC25A13-related condition.
Citrin deficiency. Identifiers: Orphanet 247582, MedGen C1997910, MONDO:0016602.

Allele frequency attached by ClinVar (database versions not stated): gnomAD 0.00001; gnomAD exomes 0.00001 and 0.00003; TOPMed 0.00001.
gnomAD v4.1: 49 of 1,541,194 alleles (0.0032%); highest among the groups gnomAD compares: Non-Finnish European, 0.004%; no homozygotes.

Submissions (2):

PreventionGenetics, part of Exact Sciences
Classification: Likely benign for SLC25A13-related condition. Last evaluated: 2026-01-26. Review status: criteria provided, single submitter. Criteria: ACMG Guidelines, 2015. Collection method: clinical testing. Allele origin: germline.
Comment: This variant is classified as likely benign based on ACMG/AMP sequence variant interpretation guidelines (Richards et al. 2015 PMID: 25741868, with internal and published modifications).

Labcorp Genetics (formerly Invitae), Labcorp
Classification: Likely benign for Citrin deficiency. Last evaluated: 2023-09-10. Review status: criteria provided, single submitter. Criteria: Invitae Variant Classification Sherloc (09022015). Collection method: clinical testing. Allele origin: germline.